The following is an entry in ClinVar:

ClinVar aggregate classification (germline): Uncertain significance (1 of 4 stars; one submission).

Submission:

CeGaT Center for Human Genetics Tuebingen
Classification: Uncertain significance. Last evaluated: 2024-01-01. Review status: criteria provided, single submitter. Criteria: CeGaT Center For Human Genetics Tuebingen Variant Classification Criteria Version 2. Collection method: clinical testing. Allele origin: germline. Affected: yes. Observed: 1 variant allele.
Comment: ACTA2: PM2, PP2, PP3

NM_001613.4(ACTA2):c.169G>A (p.Gly57Ser)

Gene: ACTA2 (actin alpha 2, smooth muscle; minus strand). Cytogenetic location: 10q23.31.
Variant type: single nucleotide variant.
Coding change: c.169G>A on transcript NM_001613.4 (MANE Select); coding-DNA position 169, G replaced by A.
Protein change: p.Gly57Ser; replaces glycine 57 with serine.
Molecular consequence: missense variant. On other transcripts: intron variant (3).
Genome position (GRCh38, 1-based): chr10:88,947,347, C>T on the plus strand (G>A on the coding strand, the complement: ACTA2 is on the minus strand). VCF-style: chr10-88947347-C-T. GRCh37 (hg19) VCF-style: chr10-90707104-C-T.
Other names: c.169G>A, p.Gly57Ser (NM_001406466.1, NM_001406471.1, NM_001141945.3 and 4 more transcripts); c.129+1455G>A (NM_001406467.1, NM_001406468.1, NM_001406469.1); short protein forms G57S.
Identifiers: ClinVar variation 3026861 (VCV003026861.22), dbSNP rs1845970518, ClinGen allele CA377513477.
Genomic context (GRCh38, chr10:88,947,347, plus strand): 5'-TGCCATGTTCTATCGGGTACTTCAGGGTCAGGATTCCTCTTTTGCTCTGTGCTTCGTCAC[C>T]CACGTAGCTGTCTTTTTGTCCCATTCCCACCATCACCCCCTAAAAAGGTTCAACACATTA-3'
Protein context (NP_001604.1, residues 47-67): VGMGQKDSYV[Gly57Ser]DEAQSKRGIL